The following is an entry in ClinVar:

NM_000059.4(BRCA2):c.394T>C (p.Cys132Arg)

Gene: BRCA2 (BRCA2 DNA repair associated; plus strand). Cytogenetic location: 13q13.1.
Variant type: single nucleotide variant.
Coding change: c.394T>C on transcript NM_000059.4 (MANE Select); coding-DNA position 394, T replaced by C.
Protein change: p.Cys132Arg; replaces cysteine 132 with arginine.
Molecular consequence: missense variant.
Genome position (GRCh38, 1-based): chr13:32,325,153, T>C. VCF-style: chr13-32325153-T-C. GRCh37 (hg19) VCF-style: chr13-32899290-T-C.
Other names: short protein forms C132R.
Identifiers: ClinVar variation 462315 (VCV000462315.10), dbSNP rs752207703, ClinGen allele CA6940354.
Genomic context (GRCh38, chr13:32,325,153, plus strand): 5'-AGTAGACATAAAAGTCTTCGCACAGTGAAAACTAAAATGGATCAAGCAGATGATGTTTCC[T>C]GTCCACTTCTAAATTCTTGTCTTAGTGAAAGGTATGATGAAGCTATTATATTAAAATATT-3'
Protein context (NP_000050.3, residues 122-142): TKMDQADDVS[Cys132Arg]PLLNSCLSES

ClinVar aggregate classification (germline): Uncertain significance. Review status: criteria provided, multiple submitters, no conflicts (2 of 4 stars). 2 submissions from 2 submitters: Uncertain significance (2). Last evaluated 2025-09-07.

Conditions:
Hereditary cancer-predisposing syndrome. Also called: Neoplastic Syndromes, Hereditary; Hereditary Cancer Syndrome; Hereditary neoplastic syndrome; Tumor predisposition. Identifiers: Orphanet 140162, MedGen C0027672, MeSH D009386, MONDO:0015356.
Hereditary breast ovarian cancer syndrome. Also called: Hereditary breast and ovarian cancer syndrome (HBOC); Hereditary breast and ovarian cancer syndrome; Breast and ovarian cancer; Hereditary breast and/or ovarian cancer syndrome; Hereditary breast and ovarian cancer; BRCA1- and BRCA2-Associated Hereditary Breast and Ovarian Cancer. Identifiers: Orphanet 145, MedGen C0677776, MeSH D061325, MONDO:0003582. Disease mechanism: loss of function.

Allele frequency attached by ClinVar (database versions not stated): ExAC 0.00001.
gnomAD v4.1: 1 of 1,603,004 alleles (0.000062%); highest among the groups gnomAD compares: Non-Finnish European, 0.000085%; no homozygotes.

Submissions (2):

Ambry Genetics
Classification: Uncertain significance for Hereditary cancer-predisposing syndrome. Last evaluated: 2025-09-07. Review status: criteria provided, single submitter. Criteria: Ambry Variant Classification Scheme 2023. Collection method: clinical testing. Allele origin: germline.
Comment: The p.C132R variant (also known as c.394T>C), located in coding exon 3 of the BRCA2 gene, results from a T to C substitution at nucleotide position 394. The cysteine at codon 132 is replaced by arginine, an amino acid with highly dissimilar properties. This amino acid position is poorly conserved in available vertebrate species. In addition, this alteration is predicted to be tolerated by in silico analysis. Based on the available evidence, the clinical significance of this variant remains unclear.

Labcorp Genetics (formerly Invitae), Labcorp
Classification: Uncertain significance for Hereditary breast ovarian cancer syndrome. Last evaluated: 2021-11-21. Review status: criteria provided, single submitter. Criteria: Invitae Variant Classification Sherloc (09022015). Collection method: clinical testing. Allele origin: germline.
Comment: ClinVar contains an entry for this variant (Variation ID: 462315). Advanced modeling of protein sequence and biophysical properties (such as structural, functional, and spatial information, amino acid conservation, physicochemical variation, residue mobility, and thermodynamic stability) performed at Invitae indicates that this missense variant is not expected to disrupt BRCA2 protein function. In summary, the available evidence is currently insufficient to determine the role of this variant in disease. Therefore, it has been classified as a Variant of Uncertain Significance. This variant has not been reported in the literature in individuals affected with BRCA2-related conditions. This sequence change replaces cysteine, which is neutral and slightly polar, with arginine, which is basic and polar, at codon 132 of the BRCA2 protein (p.Cys132Arg). This variant is not present in population databases (gnomAD no frequency).